The following is an entry in ClinVar:

NM_000264.5(PTCH1):c.1840T>G (p.Phe614Val)

Genes: PTCH1 (patched 1; minus strand), LOC100507346 (uncharacterized LOC100507346; plus strand). Cytogenetic location: 9q22.32.
Variant type: single nucleotide variant.
Coding change: c.1840T>G on transcript NM_000264.5 (MANE Select); coding-DNA position 1840, T replaced by G.
Protein change: p.Phe614Val; replaces phenylalanine 614 with valine.
Molecular consequence: missense variant. On other transcripts: non-coding transcript variant (2).
Genome position (GRCh38, 1-based): chr9:95,469,820, A>C on the plus strand (T>G on the coding strand, the complement: PTCH1 is on the minus strand). VCF-style: chr9-95469820-A-C. GRCh37 (hg19) VCF-style: chr9-98232102-A-C.
Other names: c.1642T>G, p.Phe548Val (NM_001083602.3); c.1837T>G, p.Phe613Val (NM_001083603.3); c.1387T>G, p.Phe463Val (NM_001083604.3, NM_001083605.3, NM_001083606.3 and 1 more transcripts); c.1684T>G, p.Phe562Val (NM_001354918.2); short protein forms F613V, F463V, F548V, F562V, F614V.
Identifiers: ClinVar variation 820171 (VCV000820171.11), dbSNP rs1193948667, ClinGen allele CA374116228.

ClinVar aggregate classification (germline): Conflicting classifications of pathogenicity. Review status: criteria provided, conflicting classifications (1 of 4 stars). 3 submissions from 3 submitters: Uncertain significance (2); Likely benign (1). Last evaluated 2024-08-15.

Conditions:
Gorlin syndrome. Also called: Nevoid Basal Cell Carcinoma Syndrome; Basal cell nevus syndrome. Identifiers: Orphanet 377, MedGen C0004779, MONDO:0007187.
Hereditary cancer-predisposing syndrome. Also called: Hereditary Cancer Syndrome; Neoplastic Syndromes, Hereditary; Hereditary neoplastic syndrome; Tumor predisposition. Identifiers: Orphanet 140162, MedGen C0027672, MeSH D009386, MONDO:0015356.

Allele frequency attached by ClinVar (database versions not stated): gnomAD exomes below 0.00001 and 0.00001; TOPMed below 0.00001.
gnomAD v4.1: 3 of 1,612,284 alleles (0.00019%); highest among the groups gnomAD compares: Non-Finnish European, 0.00025%; no homozygotes.

Submissions (3):

Labcorp Genetics (formerly Invitae), Labcorp
Classification: Likely benign for Gorlin syndrome. Last evaluated: 2024-08-15. Review status: criteria provided, single submitter. Criteria: Invitae Variant Classification Sherloc (09022015). Collection method: clinical testing. Allele origin: germline.

Ambry Genetics
Classification: Uncertain significance for Hereditary cancer-predisposing syndrome. Last evaluated: 2024-05-15. Review status: criteria provided, single submitter. Criteria: Ambry Variant Classification Scheme 2023. Collection method: clinical testing. Allele origin: germline.
Comment: The p.F614V variant (also known as c.1840T>G), located in coding exon 13 of the PTCH1 gene, results from a T to G substitution at nucleotide position 1840. The phenylalanine at codon 614 is replaced by valine, an amino acid with highly similar properties. This amino acid position is well conserved in available vertebrate species. In addition, this alteration is predicted to be deleterious by in silico analysis. Since supporting evidence is limited at this time, the clinical significance of this alteration remains unclear.

Sema4
Classification: Uncertain significance for Hereditary cancer-predisposing syndrome. Last evaluated: 2021-12-21. Review status: criteria provided, single submitter. Criteria: Sema4 Curation Guidelines. Collection method: curation. Allele origin: germline.
Comment: The PTCH1 c.1840T>G (p.F614V) variant has not been reported in the literature to our knowledge. It was observed in 1/113768 chromosomes of the Non-Finnish European subpopulation in the large and broad cohorts of the Genome Aggregation Database (PMID: 32461654). The variant has been reported in ClinVar (Variation ID: 820171). Functional studies have not been performed, and in silico predictions of the variant's effect on protein function are inconclusive. The evidence is insufficient to meet ACMG/AMP criteria for classifying the variant as benign or pathogenic. Thus, the clinical significance of this variant is currently uncertain.